The following is an entry in ClinVar:

NM_004174.4(SLC9A3):c.2395T>C (p.Cys799Arg)

Genes: SLC9A3 (solute carrier family 9 member A3), SLC9A3-AS1 (SLC9A3 antisense RNA 1; plus strand). Cytogenetic location: 5p15.33.
Variant type: single nucleotide variant.
Coding change: c.2395T>C on transcript NM_004174.4 (MANE Select); coding-DNA position 2395, T replaced by C.
Protein change: p.Cys799Arg; replaces cysteine 799 with arginine.
Molecular consequence: missense variant.
Genome position (GRCh38, 1-based): chr5:474,989, A>G on the plus strand (T>C on the coding strand, the complement: SLC9A3 is on the minus strand). VCF-style: chr5-474989-A-G. GRCh37 (hg19) VCF-style: chr5-475104-A-G.
Other names: p.Cys799Arg; c.2368T>C, p.Cys790Arg (NM_001284351.3); short protein forms C790R, C799R.
Identifiers: ClinVar variation 1168112 (VCV001168112.15), dbSNP rs2247114, ClinGen allele CA3175463.
Genomic context (GRCh38, chr5:474,989, plus strand): 5'-CGTCTGCCTGCAGGAAGGAGTCCACGGACTTGCTGCTGAGGCGGAAGGGCATCAGGCGGC[A>G]GAAGGTGCCGGGAGAGTAGGGAATCTGCGTGCGGGCCCTCTGCGAGGGGACCACCGTCTC-3'
Protein context (NP_004165.2, residues 789-809): TQIPYSPGTF[Cys799Arg]RLMPFRLSSK

ClinVar aggregate classification (germline): Benign. Review status: criteria provided, multiple submitters, no conflicts (2 of 4 stars). 5 submissions from 5 submitters: Benign (5). Last evaluated 2026-02-04.

Conditions:
Congenital secretory sodium diarrhea 8. Identifiers: Orphanet 103908, MedGen C5441928, MONDO:0014808, OMIM 616868.

Allele frequency attached by ClinVar (database versions not stated): 1000 Genomes Project 30x 0.75750; TOPMed 0.83123; gnomAD 0.85225; ESP Exome Variant Server 0.87133.
gnomAD v4.1: 1,376,190 of 1,610,782 alleles (85%); highest among the groups gnomAD compares: Non-Finnish European, 88%; 592,594 homozygotes.

Submissions (5):

Labcorp Genetics (formerly Invitae), Labcorp
Classification: Benign. Last evaluated: 2026-02-04. Review status: criteria provided, single submitter. Criteria: Invitae Variant Classification Sherloc (09022015). Collection method: clinical testing. Allele origin: germline.

Blueprint Genetics
Classification: Benign. Last evaluated: 2024-11-26. Review status: criteria provided, single submitter. Criteria: ACMG Guidelines, 2015. Collection method: clinical testing. Allele origin: germline.

Mayo Clinic Laboratories, Mayo Clinic
Classification: Benign. Last evaluated: 2024-08-20. Review status: criteria provided, single submitter. Criteria: ACMG Guidelines, 2015. Collection method: clinical testing. Allele origin: germline. Observed: 92 variant alleles.
Comment: BA1, BS2, BP4

Genome-Nilou Lab
Classification: Benign for Congenital secretory sodium diarrhea 8. Last evaluated: 2021-07-14. Review status: criteria provided, single submitter. Criteria: ACMG Guidelines, 2015. Collection method: clinical testing. Allele origin: germline. Affected: no.

Breakthrough Genomics
Classification: Benign. Review status: criteria provided, single submitter. Criteria: ACMG Guidelines, 2015. Collection method: not provided. Allele origin: germline. Inheritance: Autosomal recessive inheritance. Affected: yes.